The following is an entry in ClinVar:

NM_020975.6(RET):c.1956_1965delinsACCACTCTACCACAAGTT (p.Ser653fs)

Gene: RET (ret proto-oncogene; plus strand). Cytogenetic location: 10q11.21.
Variant type: Indel.
Coding change: c.1956_1965delinsACCACTCTACCACAAGTT on transcript NM_020975.6 (MANE Select); coding-DNA positions 1956 to 1965, GTCTGCCTTC replaced by ACCACTCTACCACAAGTT.
Protein change: p.Ser653fs; shifts the reading frame from serine 653.
Molecular consequence: frameshift variant.
Genome position (GRCh38, 1-based): chr10:43,114,556-43,114,565, GTCTGCCTTC replaced by ACCACTCTACCACAAGTT. VCF-style: chr10-43114556-GTCTGCCTTC-ACCACTCTACCACAAGTT. GRCh37 (hg19) VCF-style: chr10-43610004-GTCTGCCTTC-ACCACTCTACCACAAGTT.
Other names: c.1956_1965delGTCTGCCTTCinsACCACTCTACCACAAGTT, p.Ser653Profs (NM_000323.2, NM_001406743.1, NM_001406744.1 and 4 more transcripts); c.1194_1203delGTCTGCCTTCinsACCACTCTACCACAAGTT, p.Ser399Profs (NM_001355216.2); c.1827_1836delGTCTGCCTTCinsACCACTCTACCACAAGTT, p.Ser610Profs (NM_001406761.1, NM_001406762.1, NM_001406764.1); c.1668_1677delGTCTGCCTTCinsACCACTCTACCACAAGTT, p.Ser557Profs (NM_001406766.1, NM_001406767.1, NM_001406770.1); c.1560_1569delGTCTGCCTTCinsACCACTCTACCACAAGTT, p.Ser521Profs (NM_001406769.1, NM_001406772.1); c.1518_1527delGTCTGCCTTCinsACCACTCTACCACAAGTT, p.Ser507Profs (NM_001406771.1, NM_001406773.1); c.1431_1440delGTCTGCCTTCinsACCACTCTACCACAAGTT, p.Ser478Profs (NM_001406774.1); c.1230_1239delGTCTGCCTTCinsACCACTCTACCACAAGTT, p.Ser411Profs (NM_001406775.1, NM_001406776.1, NM_001406777.1 and 1 more transcripts); and 7 more; short protein forms S399fs, S653fs.
Identifiers: ClinVar variation 2044531 (VCV002044531.4), dbSNP rs2538496158, ClinGen allele CA2580081475.
Genomic context (GRCh38, chr10:43,114,556, plus strand): 5'-GCTGTGCCGCACGGTGATCGCAGCCGCTGTCCTCTTCTCCTTCATCGTCTCGGTGCTGCT[GTCTGCCTTC>ACCACTCTACCACAAGTT]TGCATCCACTGCTACCACAAGTTTGCCCACAAGCCACCCATCTCCTCAGCTGAGATGACC-3'

ClinVar aggregate classification (germline): Pathogenic (1 of 4 stars; one submission).

Conditions:
Multiple endocrine neoplasia, type 2 (MEN2). Identifiers: Orphanet 653, MedGen C4048306, MONDO:0019003. Disease mechanism: gain of function.

Submission:

Labcorp Genetics (formerly Invitae), Labcorp
Classification: Pathogenic for Multiple endocrine neoplasia, type 2. Last evaluated: 2021-12-16. Review status: criteria provided, single submitter. Criteria: Invitae Variant Classification Sherloc (09022015). Collection method: clinical testing. Allele origin: germline.
Comment: This sequence change creates a premature translational stop signal (p.Ser653Profs*25) in the RET gene. It is expected to result in an absent or disrupted protein product. Loss-of-function variants in RET are known to be pathogenic (PMID: 22174939, 22648184). For these reasons, this variant has been classified as Pathogenic. Algorithms developed to predict the effect of sequence changes on RNA splicing suggest that this variant may create or strengthen a splice site. This variant has not been reported in the literature in individuals affected with RET-related conditions. Information on the frequency of this variant in the gnomAD database is not available, as this variant may be reported differently in the database.

Literature cited by the submitters: PubMed 22174939; PubMed 22648184.